The following is an entry in ClinVar:

NM_002332.3(LRP1):c.11020G>A (p.Asp3674Asn)

Gene: LRP1 (LDL receptor related protein 1; plus strand). Cytogenetic location: 12q13.3.
Variant type: single nucleotide variant.
Coding change: c.11020G>A on transcript NM_002332.3 (MANE Select); coding-DNA position 11020, G replaced by A.
Protein change: p.Asp3674Asn; replaces aspartic acid 3674 with asparagine.
Molecular consequence: missense variant.
Genome position (GRCh38, 1-based): chr12:57,204,478, G>A. VCF-style: chr12-57204478-G-A. GRCh37 (hg19) VCF-style: chr12-57598261-G-A.
Other names: short protein forms D3674N.
Identifiers: ClinVar variation 373453 (VCV000373453.1), dbSNP rs1057518428, ClinGen allele CA16042807.

ClinVar aggregate classification (germline): Uncertain significance (1 of 4 stars; one submission).

Allele frequency attached by ClinVar (database versions not stated): TOPMed 0.00001.

Submission:

GeneDx
Classification: Uncertain significance. Last evaluated: 2016-11-21. Review status: criteria provided, single submitter. Criteria: GeneDx Variant Classification (06012015). Collection method: clinical testing. Allele origin: germline. Affected: yes.
Comment: The D3674N variant in the LRP1 gene has not been reported previously as a pathogenic variant, nor as a benign variant, to our knowledge. The D3674N variant was not observed in approximately 6500 individuals of European and African American ancestry in the NHLBI Exome Sequencing Project, indicating it is not a common benign variant in these populations. The D3674N variant is a semi-conservative amino acid substitution, which may impact secondary protein structure as these residues differ in some properties. This substitution occurs at a position that is conserved across species. In silico analysis predicts this variant is probably damaging to the protein structure/function. Therefore, we interpret D3674N as a variant of uncertain significance.